The following is an entry in ClinVar:

NM_014141.6(CNTNAP2):c.3862C>G (p.Arg1288Gly)

Gene: CNTNAP2 (contactin associated protein 2; plus strand). Cytogenetic location: 7q36.1.
Variant type: single nucleotide variant.
Coding change: c.3862C>G on transcript NM_014141.6 (MANE Select); coding-DNA position 3862, C replaced by G.
Protein change: p.Arg1288Gly; replaces arginine 1288 with glycine.
Molecular consequence: missense variant.
Genome position (GRCh38, 1-based): chr7:148,415,482, C>G. VCF-style: chr7-148415482-C-G. GRCh37 (hg19) VCF-style: chr7-148112574-C-G.
Other names: short protein forms R1288G.
Identifiers: ClinVar variation 1704030 (VCV001704030.2), dbSNP rs138661307, ClinGen allele CA369706770.

ClinVar aggregate classification (germline): Uncertain significance (1 of 4 stars; one submission).

gnomAD v4.1: 5 of 1,614,084 alleles (0.00031%); highest among the groups gnomAD compares: African/African-American, 0.0067%; no homozygotes.

Submission:

GeneDx
Classification: Uncertain significance. Last evaluated: 2022-03-03. Review status: criteria provided, single submitter. Criteria: GeneDx Variant Classification Process June 2021. Collection method: clinical testing. Allele origin: germline. Affected: yes.
Comment: In silico analysis supports that this missense variant has a deleterious effect on protein structure/function; Has not been previously published as pathogenic or benign to our knowledge